The following is an entry in ClinVar:

ClinVar aggregate classification (germline): Uncertain significance (1 of 4 stars; one submission).

Allele frequency attached by ClinVar (database versions not stated): gnomAD exomes below 0.00001; TOPMed below 0.00001; gnomAD 0.00001.

Submission:

Labcorp Genetics (formerly Invitae), Labcorp
Classification: Uncertain significance. Last evaluated: 2022-10-19. Review status: criteria provided, single submitter. Criteria: Invitae Variant Classification Sherloc (09022015). Collection method: clinical testing. Allele origin: germline.
Comment: In summary, the available evidence is currently insufficient to determine the role of this variant in disease. Therefore, it has been classified as a Variant of Uncertain Significance. This variant has not been reported in the literature in individuals affected with GNB3-related conditions. This variant is not present in population databases (gnomAD no frequency). This sequence change creates a premature translational stop signal (p.Leu198Profs*64) in the GNB3 gene. It is expected to result in an absent or disrupted protein product. However, the current clinical and genetic evidence is not sufficient to establish whether loss-of-function variants in GNB3 cause disease.

NM_002075.4(GNB3):c.593del (p.Leu198fs)

Gene: GNB3 (G protein subunit beta 3; plus strand). Cytogenetic location: 12p13.31.
Variant type: Deletion.
Coding change: c.593del on transcript NM_002075.4 (MANE Select); coding-DNA position 593, one base deleted (T; older notation c.593delT).
Protein change: p.Leu198fs; shifts the reading frame from leucine 198.
Molecular consequence: frameshift variant.
Genome position (GRCh38, 1-based): chr12:6,843,872, T deleted. VCF-style (leftmost placement, unchanged base first): chr12-6843871-CT-C. GRCh37 (hg19) VCF-style: chr12-6953035-CT-C.
Other names: c.590del, p.Leu197fs (NM_001297571.2); short protein forms L198fs, L197fs.
Identifiers: ClinVar variation 1928498 (VCV001928498.5), dbSNP rs1288314260, ClinGen allele CA691211001.